The following is an entry in ClinVar:

ClinVar aggregate classification (germline): Benign (1 of 4 stars; one submission).

Allele frequency attached by ClinVar (database versions not stated): TOPMed 0.84748; 1000 Genomes Project 30x 0.86711; 1000 Genomes Project 0.87680.
gnomAD v4.1: 694,635 of 770,934 alleles (90%); highest among the groups gnomAD compares: East Asian, 100%; 314,723 homozygotes.

Submission:

GeneDx
Classification: Benign. Last evaluated: 2018-06-14. Review status: criteria provided, single submitter. Criteria: GeneDx Variant Classification (06012015). Collection method: clinical testing. Allele origin: germline. Affected: yes.
Comment: This variant is considered likely benign or benign based on one or more of the following criteria: it is a conservative change, it occurs at a poorly conserved position in the protein, it is predicted to be benign by multiple in silico algorithms, and/or has population frequency not consistent with disease.

NM_000334.4(SCN4A):c.1242+105G>C

Gene: SCN4A (sodium voltage-gated channel alpha subunit 4; minus strand). Cytogenetic location: 17q23.3.
Variant type: single nucleotide variant.
Coding change: c.1242+105G>C on transcript NM_000334.4 (MANE Select); 105 bases into the intron after coding-DNA position 1242, G replaced by C.
Molecular consequence: intron variant.
Genome position (GRCh38, 1-based): chr17:63,965,997, C>G on the plus strand (G>C on the coding strand, the complement: SCN4A is on the minus strand). VCF-style: chr17-63965997-C-G. GRCh37 (hg19) VCF-style: chr17-62043357-C-G.
Identifiers: ClinVar variation 669349 (VCV000669349.1), dbSNP rs2009051, ClinGen allele CA14408167.